The following is an entry in ClinVar:

NM_014244.5(ADAMTS2):c.2795G>A (p.Arg932Gln)

Gene: ADAMTS2 (ADAM metallopeptidase with thrombospondin type 1 motif 2; minus strand). Cytogenetic location: 5q35.3.
Variant type: single nucleotide variant.
Coding change: c.2795G>A on transcript NM_014244.5 (MANE Select); coding-DNA position 2795, G replaced by A.
Protein change: p.Arg932Gln; replaces arginine 932 with glutamine.
Molecular consequence: missense variant.
Genome position (GRCh38, 1-based): chr5:179,125,136, C>T on the plus strand (G>A on the coding strand, the complement: ADAMTS2 is on the minus strand). VCF-style: chr5-179125136-C-T. GRCh37 (hg19) VCF-style: chr5-178552137-C-T.
Other names: p.Arg932Gln; short protein forms R932Q.
Identifiers: ClinVar variation 377440 (VCV000377440.65), dbSNP rs140022033, ClinGen allele CA3595412.

ClinVar aggregate classification (germline): Conflicting classifications of pathogenicity. Review status: criteria provided, conflicting classifications (1 of 4 stars). 13 submissions from 13 submitters: Uncertain significance (2); Likely benign (8). 3 of the submissions do not count toward it. Last evaluated 2026-06-09.

Conditions:
ADAMTS2-related disorder. Also called: ADAMTS2-related condition.
Ehlers-Danlos syndrome (EDS). Identifiers: Orphanet 98249, MedGen C0013720, MONDO:0020066.
Ehlers-Danlos syndrome, dermatosparaxis type. Also called: Ehlers-Danlos syndrome, type VII, autosomal recessive; Dermatosparaxis; EDS VIIC. Identifiers: Orphanet 1901, MedGen C2700425, MONDO:0009161, OMIM 225410.

Allele frequency attached by ClinVar (database versions not stated): gnomAD exomes 0.00125 and 0.00113; ExAC 0.00128; ESP Exome Variant Server 0.00138; 1000 Genomes Project 30x 0.00031; 1000 Genomes Project 0.00040; TOPMed 0.00092; gnomAD 0.00101 and 0.00108.
gnomAD v4.1: 1,949 of 1,612,998 alleles (0.12%); highest among the groups gnomAD compares: Non-Finnish European, 0.14%; 1 homozygote.

Submissions (13):

Women's Health and Genetics/Laboratory Corporation of America, LabCorp
Classification: Likely benign. Last evaluated: 2026-06-09. Review status: criteria provided, single submitter. Criteria: LabCorp Variant Classification Summary - May 2015. Collection method: clinical testing. Allele origin: germline.
Comment: Variant summary: ADAMTS2 c.2795G>A (p.Arg932Gln) results in a conservative amino acid change located in the Thrombospondin type 1 repeats (IPR000884) of the encoded protein sequence. Algorithms developed to predict the effect of missense changes on protein structure and function all suggest that this variant is likely to be tolerated. The variant allele was found at a frequency of 0.0011 in 250274 control chromosomes, predominantly at a frequency of 0.0018 within the Non-Finnish European subpopulation in the gnomAD database. The observed variant frequency within Non-Finnish European control individuals in the gnomAD database exceeds the estimated maximal expected allele frequency for disease-causing variants in ADAMTS2. To our knowledge, no occurrence of c.2795G>A in individuals affected with ADAMTS2-related conditions and no experimental evidence demonstrating its impact on protein function have been reported. ClinVar contains an entry for this variant (Variation ID: 377440). Based on the evidence outlined above, the variant was classified as likely benign.

CeGaT Center for Human Genetics Tuebingen
Classification: Likely benign. Last evaluated: 2026-03-01. Review status: criteria provided, single submitter. Criteria: CeGaT Center For Human Genetics Tuebingen Variant Classification Criteria Version 2. Collection method: clinical testing. Allele origin: germline. Affected: yes. Observed: 7 variant alleles.
Comment: ADAMTS2: BP4

Labcorp Genetics (formerly Invitae), Labcorp
Classification: Likely benign for Ehlers-Danlos syndrome, dermatosparaxis type. Last evaluated: 2026-02-01. Review status: criteria provided, single submitter. Criteria: Invitae Variant Classification Sherloc (09022015). Collection method: clinical testing. Allele origin: germline.

Mayo Clinic Laboratories, Mayo Clinic
Classification: Likely benign. Last evaluated: 2025-03-19. Review status: criteria provided, single submitter. Criteria: ACMG Guidelines, 2015. Collection method: clinical testing. Allele origin: germline. Observed: 9 variant alleles.
Comment: BS1, BP1, BP4_moderate

PreventionGenetics, part of Exact Sciences
Classification: Likely benign for ADAMTS2-related condition. Last evaluated: 2024-12-19. Review status: criteria provided, single submitter. Criteria: ACMG Guidelines, 2015. Collection method: clinical testing. Allele origin: germline.
Comment: This variant is classified as likely benign based on ACMG/AMP sequence variant interpretation guidelines (Richards et al. 2015 PMID: 25741868, with internal and published modifications).

Blueprint Genetics
Classification: Likely benign. Last evaluated: 2024-11-18. Review status: criteria provided, single submitter. Criteria: ACMG Guidelines, 2015. Collection method: clinical testing. Allele origin: germline.

Genome Diagnostics Laboratory, The Hospital for Sick Children
Classification: Likely benign for Ehlers-Danlos syndrome. Last evaluated: 2021-11-23. Review status: criteria provided, single submitter. Criteria: ACMG Guidelines, 2015. Collection method: clinical testing. Allele origin: germline.

Department of Pathology and Laboratory Medicine, Sinai Health System
Classification: Uncertain significance for Ehlers-Danlos syndrome, dermatosparaxis type. Last evaluated: 2021-07-30. Review status: criteria provided, single submitter. Criteria: ACMG Guidelines, 2015. Collection method: research. Allele origin: germline.

GeneDx
Classification: Likely benign. Last evaluated: 2021-01-28. Review status: criteria provided, single submitter. Criteria: GeneDx Variant Classification Process June 2021. Collection method: clinical testing. Allele origin: germline. Affected: yes.

Illumina Laboratory Services, Illumina
Classification: Uncertain significance for Ehlers-Danlos syndrome, dermatosparaxis type. Last evaluated: 2018-01-12. Review status: criteria provided, single submitter. Criteria: ICSL Variant Classification Criteria 13 December 2019. Collection method: clinical testing. Allele origin: germline.

Natera, Inc.
Classification: Likely benign for Ehlers-Danlos syndrome type VIIC. Last evaluated: 2020-05-01. Review status: no assertion criteria provided. Collection method: clinical testing. Allele origin: germline. Not counted in ClinVar's aggregate classification.

Clinical Genetics DNA and cytogenetics Diagnostics Lab, Erasmus MC, Erasmus Medical Center
Classification: Likely benign. Review status: no assertion criteria provided. Collection method: clinical testing. Allele origin: germline. Affected: yes. Study: VKGL Data-share Consensus. Not counted in ClinVar's aggregate classification.

Genome Diagnostics Laboratory, Amsterdam University Medical Center
Classification: Likely benign. Review status: no assertion criteria provided. Collection method: clinical testing. Allele origin: germline. Affected: yes. Study: VKGL Data-share Consensus. Not counted in ClinVar's aggregate classification.